The following is an entry in ClinVar:

ClinVar aggregate classification (germline): Uncertain significance (1 of 4 stars; one submission).

Allele frequency attached by ClinVar (database versions not stated): gnomAD 0.00001; TOPMed 0.00001; gnomAD exomes 0.00002.
gnomAD v4.1: 14 of 1,614,000 alleles (0.00087%); highest among the groups gnomAD compares: Non-Finnish European, 0.0012%; no homozygotes.

Submission:

Labcorp Genetics (formerly Invitae), Labcorp
Classification: Uncertain significance. Last evaluated: 2023-06-24. Review status: criteria provided, single submitter. Criteria: Invitae Variant Classification Sherloc (09022015). Collection method: clinical testing. Allele origin: germline.
Comment: Algorithms developed to predict the effect of sequence changes on RNA splicing suggest that this variant may disrupt the consensus splice site. An algorithm developed to predict the effect of missense changes on protein structure and function (PolyPhen-2) suggests that this variant is likely to be disruptive. This variant has not been reported in the literature in individuals affected with DIABLO-related conditions. This variant is present in population databases (no rsID available, gnomAD 0.0009%). This sequence change replaces glutamine, which is neutral and polar, with glutamic acid, which is acidic and polar, at codon 91 of the DIABLO protein (p.Gln91Glu). In summary, the available evidence is currently insufficient to determine the role of this variant in disease. Therefore, it has been classified as a Variant of Uncertain Significance.

NM_001371333.1(DIABLO):c.271C>G (p.Gln91Glu)

Gene: DIABLO (diablo IAP-binding mitochondrial protein; minus strand). Cytogenetic location: 12q24.31.
Variant type: single nucleotide variant.
Coding change: c.271C>G on transcript NM_001371333.1 (MANE Select); coding-DNA position 271, C replaced by G.
Protein change: p.Gln91Glu; replaces glutamine 91 with glutamic acid.
Molecular consequence: missense variant. On other transcripts: intron variant (2).
Genome position (GRCh38, 1-based): chr12:122,218,310, G>C on the plus strand (C>G on the coding strand, the complement: DIABLO is on the minus strand). VCF-style: chr12-122218310-G-C. GRCh37 (hg19) VCF-style: chr12-122702857-G-C.
Other names: c.52C>G, p.Gln18Glu (NM_001278303.1); c.112C>G, p.Gln38Glu (NM_001278304.2, NM_138930.3); c.271C>G, p.Gln91Glu (NM_019887.6); c.184-1441C>G (NM_001278342.1); c.25-1441C>G (NM_001278302.1); short protein forms Q91E, Q38E, Q18E.
Identifiers: ClinVar variation 2981170 (VCV002981170.3), dbSNP rs1312482444, ClinGen allele CA387044597.